The following is an entry in ClinVar:

NM_174916.3(UBR1):c.4803T>C (p.Tyr1601=)

Gene: UBR1 (ubiquitin protein ligase E3 component n-recognin 1; minus strand). Cytogenetic location: 15q15.2.
Variant type: single nucleotide variant.
Coding change: c.4803T>C on transcript NM_174916.3 (MANE Select); coding-DNA position 4803, T replaced by C.
Protein change: p.Tyr1601=; no amino-acid change (tyrosine 1601 retained).
Molecular consequence: synonymous variant.
Genome position (GRCh38, 1-based): chr15:42,958,045, A>G on the plus strand (T>C on the coding strand, the complement: UBR1 is on the minus strand). VCF-style: chr15-42958045-A-G. GRCh37 (hg19) VCF-style: chr15-43250243-A-G.
Identifiers: ClinVar variation 262896 (VCV000262896.37), dbSNP rs140959617, ClinGen allele CA7517764.

ClinVar aggregate classification (germline): Benign/Likely benign. Review status: criteria provided, multiple submitters, no conflicts (2 of 4 stars). 5 submissions from 5 submitters: Benign (1); Likely benign (4). Last evaluated 2026-08-01.

Allele frequency attached by ClinVar (database versions not stated): 1000 Genomes Project 0.00060; 1000 Genomes Project 30x 0.00125; gnomAD exomes 0.00130 and 0.00251; TOPMed 0.00145; ExAC 0.00160; gnomAD 0.00167 and 0.00175; ESP Exome Variant Server 0.00208.
gnomAD v4.1: 3,895 of 1,613,620 alleles (0.24%); highest among the groups gnomAD compares: Non-Finnish European, 0.3%; 8 homozygotes.

Submissions (5):

CeGaT Center for Human Genetics Tuebingen
Classification: Likely benign. Last evaluated: 2026-08-01. Review status: criteria provided, single submitter. Criteria: CeGaT Center For Human Genetics Tuebingen Variant Classification Criteria Version 2. Collection method: clinical testing. Allele origin: germline. Affected: yes. Observed: 7 variant alleles.
Comment: UBR1: BP4, BP7

Labcorp Genetics (formerly Invitae), Labcorp
Classification: Benign. Last evaluated: 2026-01-20. Review status: criteria provided, single submitter. Criteria: Invitae Variant Classification Sherloc (09022015). Collection method: clinical testing. Allele origin: germline.

Blueprint Genetics
Classification: Likely benign. Last evaluated: 2024-11-22. Review status: criteria provided, single submitter. Criteria: ACMG Guidelines, 2015. Collection method: clinical testing. Allele origin: germline.

Breakthrough Genomics
Classification: Likely benign. Review status: criteria provided, single submitter. Criteria: ACMG Guidelines, 2015. Collection method: not provided. Allele origin: germline. Inheritance: Autosomal recessive inheritance. Affected: yes.

PreventionGenetics, part of Exact Sciences
Classification: Likely benign. Review status: criteria provided, single submitter. Criteria: ACMG Guidelines, 2015. Collection method: clinical testing. Allele origin: germline.